The following is an entry in ClinVar:

NM_000264.5(PTCH1):c.3629C>T (p.Pro1210Leu)

Gene: PTCH1 (patched 1; minus strand). Cytogenetic location: 9q22.32.
Variant type: single nucleotide variant.
Coding change: c.3629C>T on transcript NM_000264.5 (MANE Select); coding-DNA position 3629, C replaced by T.
Protein change: p.Pro1210Leu; replaces proline 1210 with leucine.
Molecular consequence: missense variant. On other transcripts: non-coding transcript variant (1).
Genome position (GRCh38, 1-based): chr9:95,449,244, G>A on the plus strand (C>T on the coding strand, the complement: PTCH1 is on the minus strand). VCF-style: chr9-95449244-G-A. GRCh37 (hg19) VCF-style: chr9-98211526-G-A.
Other names: c.3431C>T, p.Pro1144Leu (NM_001083602.3); c.3626C>T, p.Pro1209Leu (NM_001083603.3); c.3176C>T, p.Pro1059Leu (NM_001083604.3, NM_001083605.3, NM_001083606.3 and 1 more transcripts); c.3473C>T, p.Pro1158Leu (NM_001354918.2); short protein forms P1144L, P1210L, P1059L, P1158L, P1209L.
Identifiers: ClinVar variation 216383 (VCV000216383.24), dbSNP rs781062564, ClinGen allele CA338796.

ClinVar aggregate classification (germline): Conflicting classifications of pathogenicity. Review status: criteria provided, conflicting classifications (1 of 4 stars). 8 submissions from 8 submitters: Uncertain significance (4); Likely benign (4). Last evaluated 2026-08-01.

Conditions:
Hereditary cancer-predisposing syndrome. Also called: Neoplastic Syndromes, Hereditary; Tumor predisposition; Hereditary Cancer Syndrome; Hereditary neoplastic syndrome. Identifiers: Orphanet 140162, MedGen C0027672, MeSH D009386, MONDO:0015356.
Gorlin syndrome. Also called: Basal cell nevus syndrome; Nevoid Basal Cell Carcinoma Syndrome. Identifiers: Orphanet 377, MedGen C0004779, MONDO:0007187.
PTCH1-related disorder. Also called: PTCH1-related disorders; PTCH1-related condition.

Allele frequency attached by ClinVar (database versions not stated): gnomAD 0.00003; TOPMed 0.00013; gnomAD exomes 0.00016; ExAC 0.00032.
gnomAD v4.1: 176 of 1,580,846 alleles (0.011%); highest among the groups gnomAD compares: Non-Finnish European, 0.014%; no homozygotes.

Submissions (8):

CeGaT Center for Human Genetics Tuebingen
Classification: Uncertain significance. Last evaluated: 2026-08-01. Review status: criteria provided, single submitter. Criteria: CeGaT Center For Human Genetics Tuebingen Variant Classification Criteria Version 2. Collection method: clinical testing. Allele origin: germline. Affected: yes. Observed: 1 variant allele.

Dasa
Classification: Uncertain significance. Last evaluated: 2026-03-10. Review status: criteria provided, single submitter. Criteria: DASA Assertion Criteria. Collection method: clinical testing. Allele origin: germline.
Comment: NM_000264.5(PTCH1):c.3629C>T (p.Pro1210Leu) is a missense variant that results in the substitution of proline with leucine. This variant is rare in population databases. The currently available literature and clinical evidence are not sufficient to establish a definitive association between this variant and the reported condition. Therefore, this variant is classified as a variant of uncertain significance.

Labcorp Genetics (formerly Invitae), Labcorp
Classification: Likely benign for Gorlin syndrome. Last evaluated: 2026-01-31. Review status: criteria provided, single submitter. Criteria: Invitae Variant Classification Sherloc (09022015). Collection method: clinical testing. Allele origin: germline.

PreventionGenetics, part of Exact Sciences
Classification: Likely benign for PTCH1-related condition. Last evaluated: 2025-09-27. Review status: criteria provided, single submitter. Criteria: ACMG Guidelines, 2015. Collection method: clinical testing. Allele origin: germline.
Comment: This variant is classified as likely benign based on ACMG/AMP sequence variant interpretation guidelines (Richards et al. 2015 PMID: 25741868, with internal and published modifications).

Center for Genomic Medicine, Rigshospitalet, Copenhagen University Hospital
Classification: Uncertain significance. Last evaluated: 2025-03-04. Review status: criteria provided, single submitter. Criteria: ACMG Guidelines, 2015. Collection method: clinical testing. Allele origin: germline.

Revvity Omics, Revvity
Classification: Uncertain significance. Last evaluated: 2022-02-09. Review status: criteria provided, single submitter. Criteria: ACMG Guidelines, 2015. Collection method: clinical testing. Allele origin: germline.

Ambry Genetics
Classification: Likely benign for Hereditary cancer-predisposing syndrome. Last evaluated: 2020-02-14. Review status: criteria provided, single submitter. Criteria: Ambry Variant Classification Scheme 2023. Collection method: clinical testing. Allele origin: germline.

GeneDx
Classification: Likely benign. Last evaluated: 2019-08-27. Review status: criteria provided, single submitter. Criteria: GeneDx Variant Classification Process June 2021. Collection method: clinical testing. Allele origin: germline. Affected: yes.